The following is an entry in ClinVar:

NM_001035.3(RYR2):c.2428G>A (p.Glu810Lys)

Gene: RYR2 (ryanodine receptor 2; plus strand). Cytogenetic location: 1q43.
Variant type: single nucleotide variant.
Coding change: c.2428G>A on transcript NM_001035.3 (MANE Select); coding-DNA position 2428, G replaced by A.
Protein change: p.Glu810Lys; replaces glutamic acid 810 with lysine.
Molecular consequence: missense variant.
Genome position (GRCh38, 1-based): chr1:237,503,320, G>A. VCF-style: chr1-237503320-G-A. GRCh37 (hg19) VCF-style: chr1-237666620-G-A.
Other names: short protein forms E810K.
Identifiers: ClinVar variation 3074540 (VCV003074540.1), dbSNP rs2545890021, ClinGen allele CA345378723.

ClinVar aggregate classification (germline): Uncertain significance (1 of 4 stars; one submission).

Conditions:
Catecholaminergic polymorphic ventricular tachycardia (CVPT). Also called: Catecholamine-induced polymorphic ventricular tachycardia. Identifiers: Orphanet 3286, MedGen C5574922, MONDO:0017990.

Submission:

All of Us Research Program, National Institutes of Health
Classification: Uncertain significance for Catecholaminergic polymorphic ventricular tachycardia. Last evaluated: 2023-11-20. Review status: criteria provided, single submitter. Criteria: ACMG Guidelines, 2015. Collection method: clinical testing. Allele origin: germline. Inheritance: Autosomal dominant inheritance. Observed: 1 variant allele, 1 heterozygote.
Comment: This missense variant replaces glutamic acid with lysine at codon 810 of the RYR2 protein. Computational prediction is inconclusive regarding the impact of this variant on protein structure and function (internally defined REVEL score threshold 0.5 < inconclusive < 0.7, PMID: 27666373). To our knowledge, functional studies have not been reported for this variant. This variant has not been reported in individuals affected with RYR2-related disorders in the literature. This variant has not been identified in the general population by the Genome Aggregation Database (gnomAD). The available evidence is insufficient to determine the role of this variant in disease conclusively. Therefore, this variant is classified as a Variant of Uncertain Significance.

This study involves interpretation of variants in research participants for the purpose of population health screening. Participant phenotype was not available at the time of variant classification. Additional details can be found in publication PMID: 35346344, PMCID: PMC8962531